The following is an entry in ClinVar:

NM_001105206.3(LAMA4):c.1852C>T (p.Gln618Ter)

Gene: LAMA4 (laminin subunit alpha 4; minus strand). Cytogenetic location: 6q21.
Variant type: single nucleotide variant.
Coding change: c.1852C>T on transcript NM_001105206.3 (MANE Select); coding-DNA position 1852, C replaced by T.
Protein change: p.Gln618Ter; replaces glutamine 618 with a stop codon.
Molecular consequence: nonsense.
Genome position (GRCh38, 1-based): chr6:112,155,672, G>A on the plus strand (C>T on the coding strand, the complement: LAMA4 is on the minus strand). VCF-style: chr6-112155672-G-A. GRCh37 (hg19) VCF-style: chr6-112476874-G-A.
Other names: c.1831C>T, p.Gln611Ter (NM_001105207.3, NM_002290.5); short protein forms Q618*, Q611*.
Identifiers: ClinVar variation 2991498 (VCV002991498.3), dbSNP rs1554336779, ClinGen allele CA365364588.

ClinVar aggregate classification (germline): Uncertain significance (1 of 4 stars; one submission).

Conditions:
Dilated cardiomyopathy 1JJ (CMD1JJ). Identifiers: Orphanet 154, MedGen C3808935, MONDO:0014095, OMIM 615235.

Allele frequency attached by ClinVar (database versions not stated): gnomAD exomes below 0.00001; TOPMed below 0.00001.
gnomAD v4.1: 2 of 1,614,032 alleles (0.00012%); highest among the groups gnomAD compares: Admixed American, 0.0017%; no homozygotes.

Submission:

Labcorp Genetics (formerly Invitae), Labcorp
Classification: Uncertain significance for Dilated cardiomyopathy 1JJ. Last evaluated: 2023-04-11. Review status: criteria provided, single submitter. Criteria: Invitae Variant Classification Sherloc (09022015). Collection method: clinical testing. Allele origin: germline.
Comment: In summary, the available evidence is currently insufficient to determine the role of this variant in disease. Therefore, it has been classified as a Variant of Uncertain Significance. This variant has not been reported in the literature in individuals affected with LAMA4-related conditions. This variant is present in population databases (no rsID available, gnomAD 0.003%). This sequence change creates a premature translational stop signal (p.Gln611*) in the LAMA4 gene. It is expected to result in an absent or disrupted protein product. However, the current clinical and genetic evidence is not sufficient to establish whether loss-of-function variants in LAMA4 cause disease.